The following is an entry in ClinVar:

NM_031372.4(HNRNPDL):c.90G>C (p.Trp30Cys)

Gene: HNRNPDL (heterogeneous nuclear ribonucleoprotein D like; minus strand). Cytogenetic location: 4q21.22.
Variant type: single nucleotide variant.
Coding change: c.90G>C on transcript NM_031372.4 (MANE Select); coding-DNA position 90, G replaced by C.
Protein change: p.Trp30Cys; replaces tryptophan 30 with cysteine.
Molecular consequence: missense variant. On other transcripts: non-coding transcript variant (1).
Genome position (GRCh38, 1-based): chr4:82,429,601, C>G on the plus strand (G>C on the coding strand, the complement: HNRNPDL is on the minus strand). VCF-style: chr4-82429601-C-G. GRCh37 (hg19) VCF-style: chr4-83350754-C-G.
Other names: c.90G>C, p.Trp30Cys (NM_001207000.1); short protein forms W30C.
Identifiers: ClinVar variation 2991756 (VCV002991756.3), dbSNP rs1007606576, ClinGen allele CA100599636.

ClinVar aggregate classification (germline): Uncertain significance (1 of 4 stars; one submission).

Conditions:
Autosomal dominant limb-girdle muscular dystrophy type 1G (LGMDD3). Also called: Limb-girdle muscular dystrophy, type 1G; MUSCULAR DYSTROPHY, LIMB-GIRDLE, AUTOSOMAL DOMINANT 3. Identifiers: Orphanet 55596, MedGen C1836765, MONDO:0012193, OMIM 609115.

Allele frequency attached by ClinVar (database versions not stated): TOPMed below 0.00001; gnomAD 0.00001.

Submission:

Labcorp Genetics (formerly Invitae), Labcorp
Classification: Uncertain significance for Autosomal dominant limb-girdle muscular dystrophy type 1G. Last evaluated: 2025-12-21. Review status: criteria provided, single submitter. Criteria: Invitae Variant Classification Sherloc (09022015). Collection method: clinical testing. Allele origin: germline.
Comment: This sequence change replaces tryptophan, which is neutral and slightly polar, with cysteine, which is neutral and slightly polar, at codon 30 of the HNRNPDL protein (p.Trp30Cys). This variant is present in population databases (no rsID available, gnomAD 0.1%). This variant has not been reported in the literature in individuals affected with HNRNPDL-related conditions. ClinVar contains an entry for this variant (Variation ID: 2991756). An algorithm developed to predict the effect of missense changes on protein structure and function (PolyPhen-2) suggests that this variant is likely to be disruptive. In summary, the available evidence is currently insufficient to determine the role of this variant in disease. Therefore, it has been classified as a Variant of Uncertain Significance.